The following is an entry in ClinVar:

ClinVar aggregate classification (germline): Uncertain significance (0 of 4 stars; one submission).

Allele frequency attached by ClinVar (database versions not stated): ESP Exome Variant Server 0.00008; TOPMed 0.00010; gnomAD exomes 0.00011 and 0.00010; gnomAD 0.00006; ExAC 0.00011.
gnomAD v4.1: 169 of 1,605,308 alleles (0.011%); highest among the groups gnomAD compares: Non-Finnish European, 0.014%; no homozygotes.

Submission:

Martin Pollak Laboratory,  Beth Israel Deaconess Medical Center
Classification: Uncertain significance. Review status: no assertion criteria provided. Collection method: not provided. Allele origin: unknown.
Comment: Lower UCa2+ group
ClinVar note: Converted during submission from unknown to Uncertain significance.

NM_001288772.2(PIK3C2G):c.3459G>A (p.Leu1153=)

Gene: PIK3C2G (phosphatidylinositol-4-phosphate 3-kinase catalytic subunit type 2 gamma; plus strand). Cytogenetic location: 12p12.3.
Variant type: single nucleotide variant.
Coding change: c.3459G>A on transcript NM_001288772.2 (MANE Select); coding-DNA position 3459, G replaced by A.
Protein change: p.Leu1153=; no amino-acid change (leucine 1153 retained).
Molecular consequence: synonymous variant.
Genome position (GRCh38, 1-based): chr12:18,538,291, G>A. VCF-style: chr12-18538291-G-A. GRCh37 (hg19) VCF-style: chr12-18691225-G-A.
Other names: c.2793G>A, p.Leu931= (NM_001288774.2); c.3336G>A, p.Leu1112= (NM_004570.6).
Identifiers: ClinVar variation 64532 (VCV000064532.2), dbSNP rs375555307, ClinGen allele CA216349.